The following is an entry in ClinVar:

NM_001943.5(DSG2):c.200A>G (p.Lys67Arg)

Gene: DSG2 (desmoglein 2; plus strand). Cytogenetic location: 18q12.1.
Variant type: single nucleotide variant.
Coding change: c.200A>G on transcript NM_001943.5 (MANE Select); coding-DNA position 200, A replaced by G.
Protein change: p.Lys67Arg; replaces lysine 67 with arginine.
Molecular consequence: missense variant.
Genome position (GRCh38, 1-based): chr18:31,519,921, A>G. VCF-style: chr18-31519921-A-G. GRCh37 (hg19) VCF-style: chr18-29099884-A-G.
Other names: short protein forms K67R.
Identifiers: ClinVar variation 2067664 (VCV002067664.5), dbSNP rs2510910403, ClinGen allele CA402131001.

ClinVar aggregate classification (germline): Uncertain significance. Review status: criteria provided, multiple submitters, no conflicts (2 of 4 stars). 2 submissions from 2 submitters: Uncertain significance (2). Last evaluated 2023-10-23.

Conditions:
Arrhythmogenic right ventricular cardiomyopathy (ARVD). Also called: Cardiomyopathy, ARVC; Arrhythmogenic cardiomyopathy; Arrhythmogenic Right Ventricular Cardiomyopathy (ARVC); Arrhythmogenic right ventricular dysplasia. Identifiers: Orphanet 247, MedGen C0349788, MeSH D019571, MONDO:0016587. Disease mechanism: loss of function. Inheritance: Various modes of inheritance.
Arrhythmogenic right ventricular dysplasia 10. Also called: ARRHYTHMOGENIC RIGHT VENTRICULAR DYSPLASIA, FAMILIAL, 10; Arrhythmogenic Right Ventricular Dysplasia/Cardiomyopathy10; Arrhythmogenic right ventricular dysplasia/cardiomyopathy, type 10. Identifiers: MedGen C1857777, MONDO:0012434, OMIM 610193.

Submissions (2):

All of Us Research Program, National Institutes of Health
Classification: Uncertain significance for Arrhythmogenic right ventricular cardiomyopathy. Last evaluated: 2023-10-23. Review status: criteria provided, single submitter. Criteria: ACMG Guidelines, 2015. Collection method: clinical testing. Allele origin: germline. Inheritance: Autosomal dominant inheritance. Observed: 1 variant allele, 1 heterozygote.
Comment: This missense variant replaces lysine with arginine at codon 67 of the DSG2 protein. Computational prediction suggests that this variant may not impact protein structure and function (internally defined REVEL score threshold <= 0.5, PMID: 27666373). To our knowledge, functional studies have not been reported for this variant. This variant has not been reported in individuals affected with cardiovascular disorders in the literature. This variant has not been identified in the general population by the Genome Aggregation Database (gnomAD). The available evidence is insufficient to determine the role of this variant in disease conclusively. Therefore, this variant is classified as a Variant of Uncertain Significance.

This study involves interpretation of variants in research participants for the purpose of population health screening. Participant phenotype was not available at the time of variant classification. Additional details can be found in publication PMID: 35346344, PMCID: PMC8962531

Labcorp Genetics (formerly Invitae), Labcorp
Classification: Uncertain significance for Arrhythmogenic right ventricular dysplasia 10. Last evaluated: 2021-12-31. Review status: criteria provided, single submitter. Criteria: Invitae Variant Classification Sherloc (09022015). Collection method: clinical testing. Allele origin: germline.
Comment: This variant has not been reported in the literature in individuals affected with DSG2-related conditions. This sequence change replaces lysine, which is basic and polar, with arginine, which is basic and polar, at codon 67 of the DSG2 protein (p.Lys67Arg). This variant is not present in population databases (gnomAD no frequency). Algorithms developed to predict the effect of missense changes on protein structure and function output the following: SIFT: "Tolerated"; PolyPhen-2: "Benign"; Align-GVGD: "Class C0". The arginine amino acid residue is found in multiple mammalian species, which suggests that this missense change does not adversely affect protein function. In summary, the available evidence is currently insufficient to determine the role of this variant in disease. Therefore, it has been classified as a Variant of Uncertain Significance.